The following is an entry in ClinVar:

NM_002103.5(GYS1):c.892G>A (p.Ala298Thr)

Gene: GYS1 (glycogen synthase 1; minus strand). Cytogenetic location: 19q13.33.
Variant type: single nucleotide variant.
Coding change: c.892G>A on transcript NM_002103.5 (MANE Select); coding-DNA position 892, G replaced by A.
Protein change: p.Ala298Thr; replaces alanine 298 with threonine.
Molecular consequence: missense variant. On other transcripts: non-coding transcript variant (1).
Genome position (GRCh38, 1-based): chr19:48,982,769, C>T on the plus strand (G>A on the coding strand, the complement: GYS1 is on the minus strand). VCF-style: chr19-48982769-C-T. GRCh37 (hg19) VCF-style: chr19-49486026-C-T.
Other names: c.892G>A (NM_002103.4); c.700G>A, p.Ala234Thr (NM_001161587.2); short protein forms A234T, A298T.
Identifiers: ClinVar variation 2211920 (VCV002211920.5), dbSNP rs749853175, ClinGen allele CA9563185.

ClinVar aggregate classification (germline): Uncertain significance. Review status: criteria provided, multiple submitters, no conflicts (2 of 4 stars). 2 submissions from 2 submitters: Uncertain significance (2). Last evaluated 2022-07-26.

Conditions:
Glycogen storage disease due to muscle and heart glycogen synthase deficiency. Also called: GSD 0b; MUSCLE GLYCOGEN SYNTHASE DEFICIENCY. Identifiers: Orphanet 137625, MedGen C1969054, MONDO:0012693, OMIM 611556.
Inborn genetic diseases. Identifiers: MedGen C0950123, MeSH D030342.

Allele frequency attached by ClinVar (database versions not stated): gnomAD 0.00001; ExAC 0.00002.
gnomAD v4.1: 9 of 1,613,930 alleles (0.00056%); highest among the groups gnomAD compares: Admixed American, 0.0017%; no homozygotes.

Submissions (2):

Ambry Genetics
Classification: Uncertain significance for Inborn genetic diseases. Last evaluated: 2022-07-26. Review status: criteria provided, single submitter. Criteria: Ambry Variant Classification Scheme 2023. Collection method: clinical testing. Allele origin: germline.

Labcorp Genetics (formerly Invitae), Labcorp
Classification: Uncertain significance for Glycogen storage disease due to muscle and heart glycogen synthase deficiency. Last evaluated: 2022-05-31. Review status: criteria provided, single submitter. Criteria: Invitae Variant Classification Sherloc (09022015). Collection method: clinical testing. Allele origin: germline.
Comment: This sequence change replaces alanine, which is neutral and non-polar, with threonine, which is neutral and polar, at codon 298 of the GYS1 protein (p.Ala298Thr). This variant is present in population databases (rs749853175, gnomAD 0.003%). This variant has not been reported in the literature in individuals affected with GYS1-related conditions. Algorithms developed to predict the effect of missense changes on protein structure and function are either unavailable or do not agree on the potential impact of this missense change (SIFT: "Deleterious"; PolyPhen-2: "Possibly Damaging"; Align-GVGD: "Class C0"). In summary, the available evidence is currently insufficient to determine the role of this variant in disease. Therefore, it has been classified as a Variant of Uncertain Significance.